The following is an entry in ClinVar:

ClinVar aggregate classification (germline): Uncertain significance (1 of 4 stars; one submission).

Conditions:
Niemann-Pick disease, type C1. Also called: NEUROVISCERAL STORAGE DISEASE WITH VERTICAL SUPRANUCLEAR OPHTHALMOPLEGIA; NIEMANN-PICK DISEASE WITH CHOLESTEROL ESTERIFICATION BLOCK; NIEMANN-PICK DISEASE WITHOUT SPHINGOMYELINASE DEFICIENCY; NIEMANN-PICK DISEASE, CHRONIC NEURONOPATHIC FORM; NIEMANN-PICK DISEASE, VARIANT TYPE C1. Identifiers: Orphanet 646, MedGen C3179455, MONDO:0009757, OMIM 257220.

Allele frequency attached by ClinVar (database versions not stated): gnomAD exomes below 0.00001; ExAC 0.00001.
gnomAD v4.1: 2 of 1,581,940 alleles (0.00013%); highest among the groups gnomAD compares: South Asian, 0.0022%; no homozygotes.

Submission:

Labcorp Genetics (formerly Invitae), Labcorp
Classification: Uncertain significance for Niemann-Pick disease, type C1. Last evaluated: 2025-02-17. Review status: criteria provided, single submitter. Criteria: Invitae Variant Classification Sherloc (09022015). Collection method: clinical testing. Allele origin: germline.
Comment: This sequence change falls in intron 19 of the NPC1 gene. It does not directly change the encoded amino acid sequence of the NPC1 protein. It affects a nucleotide within the consensus splice site. This variant is present in population databases (rs762161265, gnomAD 0.003%). This variant has not been reported in the literature in individuals affected with NPC1-related conditions. ClinVar contains an entry for this variant (Variation ID: 2013359). Variants that disrupt the consensus splice site are a relatively common cause of aberrant splicing (PMID: 17576681, 9536098). Algorithms developed to predict the effect of sequence changes on RNA splicing suggest that this variant is not likely to affect RNA splicing. In summary, the available evidence is currently insufficient to determine the role of this variant in disease. Therefore, it has been classified as a Variant of Uncertain Significance.

Literature cited by the submitters: PubMed 17576681; PubMed 9536098.

NM_000271.5(NPC1):c.2911+6T>A

Gene: NPC1 (NPC intracellular cholesterol transporter 1; minus strand). Cytogenetic location: 18q11.2.
Variant type: single nucleotide variant.
Coding change: c.2911+6T>A on transcript NM_000271.5 (MANE Select); 6 bases into the intron after coding-DNA position 2911, T replaced by A.
Molecular consequence: intron variant.
Genome position (GRCh38, 1-based): chr18:23,539,349, A>T on the plus strand (T>A on the coding strand, the complement: NPC1 is on the minus strand). VCF-style: chr18-23539349-A-T. GRCh37 (hg19) VCF-style: chr18-21119313-A-T.
Identifiers: ClinVar variation 2013359 (VCV002013359.4), dbSNP rs762161265, ClinGen allele CA8912934.